The following is an entry in ClinVar:

ClinVar aggregate classification (germline): Pathogenic (1 of 4 stars; one submission).

Conditions:
Microcephaly, normal intelligence and immunodeficiency (NBS). Also called: SEEMANOVA SYNDROME II; Immunodeficiency, microcephaly with normal intelligence; IMMUNODEFICIENCY, MICROCEPHALY, AND CHROMOSOMAL INSTABILITY; Ataxia telangiectasia variant V1; BERLIN BREAKAGE SYNDROME; Nijmegen breakage syndrome. Identifiers: Orphanet 647, MedGen C0398791, MONDO:0009623, OMIM 251260.

Submission:

Labcorp Genetics (formerly Invitae), Labcorp
Classification: Pathogenic for Microcephaly, normal intelligence and immunodeficiency. Last evaluated: 2021-09-29. Review status: criteria provided, single submitter. Criteria: Invitae Variant Classification Sherloc (09022015). Collection method: clinical testing. Allele origin: germline.
Comment: For these reasons, this variant has been classified as Pathogenic. ClinVar contains an entry for this variant (Variation ID: 1075300). This variant has not been reported in the literature in individuals affected with NBN-related conditions. This variant is not present in population databases (ExAC no frequency). This sequence change creates a premature translational stop signal (p.Lys665*) in the NBN gene. It is expected to result in an absent or disrupted protein product. Loss-of-function variants in NBN are known to be pathogenic (PMID: 9590180, 16415040).

Literature cited by the submitters: PubMed 9590180; PubMed 16415040.

NM_002485.5(NBN):c.1993A>T (p.Lys665Ter)

Gene: NBN (nibrin; minus strand). Cytogenetic location: 8q21.3.
Variant type: single nucleotide variant.
Coding change: c.1993A>T on transcript NM_002485.5 (MANE Select); coding-DNA position 1993, A replaced by T.
Protein change: p.Lys665Ter; replaces lysine 665 with a stop codon.
Molecular consequence: nonsense.
Genome position (GRCh38, 1-based): chr8:89,946,217, T>A on the plus strand (A>T on the coding strand, the complement: NBN is on the minus strand). VCF-style: chr8-89946217-T-A. GRCh37 (hg19) VCF-style: chr8-90958445-T-A.
Other names: c.1747A>T, p.Lys583Ter (NM_001024688.3); short protein forms K583*, K665*.
Identifiers: ClinVar variation 1075300 (VCV001075300.7), dbSNP rs1554556544, ClinGen allele CA371676481.